The following is an entry in ClinVar:

ClinVar aggregate classification (germline): Uncertain significance. Review status: criteria provided, multiple submitters, no conflicts (2 of 4 stars). 11 submissions from 11 submitters: Uncertain significance (9). 2 of the submissions do not count toward it. Last evaluated 2025-04-08.

Conditions:
Arrhythmogenic right ventricular dysplasia 9 (ARVD9). Also called: Arrhythmogenic Right Ventricular Dysplasia/Cardiomyopathy 9; ARRHYTHMOGENIC RIGHT VENTRICULAR DYSPLASIA, FAMILIAL, 9. Identifiers: MedGen C1836906, MONDO:0012180, OMIM 609040.
Cardiovascular phenotype. Identifiers: MedGen CN230736.
Cardiomyopathy (CMYO). Also called: Cardiomyopathies. Identifiers: Orphanet 167848, MedGen C0878544, MONDO:0004994, HP:0001638. Inheritance: Various modes of inheritance.
Arrhythmogenic right ventricular cardiomyopathy (ARVD). Also called: Arrhythmogenic cardiomyopathy; Arrhythmogenic Right Ventricular Cardiomyopathy (ARVC); Cardiomyopathy, ARVC; Arrhythmogenic right ventricular dysplasia. Identifiers: Orphanet 247, MedGen C0349788, MeSH D019571, MONDO:0016587. Disease mechanism: loss of function. Inheritance: Various modes of inheritance.

Allele frequency attached by ClinVar (database versions not stated): gnomAD 0.00005 and 0.00004; TOPMed 0.00005; ExAC 0.00007.
gnomAD v4.1: 135 of 1,614,024 alleles (0.0084%); highest among the groups gnomAD compares: Middle Eastern, 0.05%; 1 homozygote.

Submissions (11):

ARUP Laboratories, Molecular Genetics and Genomics, ARUP Laboratories
Classification: Uncertain significance for Arrhythmogenic right ventricular dysplasia 9. Last evaluated: 2025-04-08. Review status: criteria provided, single submitter. Criteria: ARUP Molecular Germline Variant Investigation Process 2024. Collection method: clinical testing. Allele origin: germline.
Comment: The PKP2 c.895C>T; p.Arg299Cys variant (rs564987195, ClinVar Variation ID: 522296) is reported in the literature in individuals affected with arrhythmogenic right ventricular cardiomyopathy (Bao 2013, Haggerty 2017, Nagyova 2023). This variant has also been reported in individuals with dilated or hypertrophic cardiomyopathy that also carried variants in other genes that likely explain the phenotype (Sono 2023, van Lint 2019). This variant is found in the South Asian population with an allele frequency of 0.039% (12/30,616 alleles) in the Genome Aggregation Database (v2.1.1). Computational analyses predict that this variant is deleterious (REVEL: 0.723). However, given the limited clinical data and lack of functional data, the significance of this variant is uncertain at this time. References: Bao J et al. Correlation of ventricular arrhythmias with genotype in arrhythmogenic right ventricular cardiomyopathy. Circ Cardiovasc Genet. 2013 Dec;6(6):552-6. PMID: 24125834. Haggerty CM et al. Electronic health record phenotype in subjects with genetic variants associated with arrhythmogenic right ventricular cardiomyopathy: a study of 30,716 subjects with exome sequencing. Genet Med. 2017 Nov;19(11):1245-1252. PMID: 28471438. Nagyova E et al. A Systematic Analysis of the Clinical Outcome Associated with Multiple Reclassified Desmosomal Gene Variants in Arrhythmogenic Right Ventricular Cardiomyopathy Patients. J Cardiovasc Transl Res. 2023 Dec;16(6):1276-1286. PMID: 37418234. Sono R et al. Whole-Exome Sequencing Identifies Homozygote Nonsense Variants in LMOD2 Gene Causing Infantile Dilated Cardiomyopathy. Cells. 2023 May 23;12(11):1455. PMID: 37296576. van Lint FHM et al. Large next-generation sequencing gene panels in genetic heart disease: yield of pathogenic variants and variants of unknown significance. Neth Heart J. 2019 Jun;27(6):304-309. PMID: 30847666.

Women's Health and Genetics/Laboratory Corporation of America, LabCorp
Classification: Uncertain significance. Last evaluated: 2025-01-28. Review status: criteria provided, single submitter. Criteria: LabCorp Variant Classification Summary - May 2015. Collection method: clinical testing. Allele origin: germline.
Comment: Variant summary: PKP2 c.895C>T (p.Arg299Cys) results in a non-conservative amino acid change in the encoded protein sequence. Four of five in-silico tools predict a benign effect of the variant on protein function. The variant allele was found at a frequency of 6.8e-05 in 251008 control chromosomes. This frequency is not significantly higher than estimated for a pathogenic variant in PKP2 causing Arrhythmogenic Right Ventricular Dysplasia/Cardiomyopathy (6.8e-05 vs 0.00065), allowing no conclusion about variant significance. c.895C>T has been reported in the literature in individuals affected with Arrhythmogenic Right Ventricular Dysplasia/Cardiomyopathy, without strong evidence for causality (examples, Bao_2013, Haggerty_2017, Sono_2023).These report(s) do not provide unequivocal conclusions about association of the variant with Arrhythmogenic Right Ventricular Dysplasia/Cardiomyopathy. To our knowledge, no experimental evidence demonstrating an impact on protein function has been reported. The following publications have been ascertained in the context of this evaluation (PMID: 24125834, 28471438, 37296576). ClinVar contains an entry for this variant (Variation ID: 522296). Based on the evidence outlined above, the variant was classified as uncertain significance.

Labcorp Genetics (formerly Invitae), Labcorp
Classification: Uncertain significance for Arrhythmogenic right ventricular dysplasia 9. Last evaluated: 2025-01-16. Review status: criteria provided, single submitter. Criteria: Invitae Variant Classification Sherloc (09022015). Collection method: clinical testing. Allele origin: germline.
Comment: This sequence change replaces arginine, which is basic and polar, with cysteine, which is neutral and slightly polar, at codon 299 of the PKP2 protein (p.Arg299Cys). This variant is present in population databases (rs564987195, gnomAD 0.04%). This missense change has been observed in individual(s) with arrhythmogenic right ventricular cardiomyophathy (ARVC) (PMID: 24125834). ClinVar contains an entry for this variant (Variation ID: 522296). An algorithm developed to predict the effect of missense changes on protein structure and function outputs the following: PolyPhen-2: "Benign". The cysteine amino acid residue is found in multiple mammalian species, which suggests that this missense change does not adversely affect protein function. In summary, the available evidence is currently insufficient to determine the role of this variant in disease. Therefore, it has been classified as a Variant of Uncertain Significance.

All of Us Research Program, National Institutes of Health
Classification: Uncertain significance for Arrhythmogenic right ventricular cardiomyopathy. Last evaluated: 2024-07-20. Review status: criteria provided, single submitter. Criteria: ACMG Guidelines, 2015. Collection method: clinical testing. Allele origin: germline. Inheritance: Autosomal dominant inheritance. Observed: 7 variant alleles, 7 heterozygotes.
Comment: This missense variant replaces arginine with cysteine at codon 299 of the PKP2 protein. Computational prediction tool is inconclusive regarding the impact of this variant on protein structure and function. To our knowledge, functional studies have not been reported for this variant. This variant has been reported in two individuals affected with arrhythmogenic right ventricular cardiomyopathy (PMID: 24125834, 37418234). This variant has also been reported in an individual affected with hypertrophic cardiomyopathy, who also carried a pathogenic truncation variant in the MYBPC3 gene that could explain the observed phenotype (PMID: 30847666). This variant has been identified in 18/282410 chromosomes in the general population by the Genome Aggregation Database (gnomAD). The available evidence is insufficient to determine the role of this variant in disease conclusively. Therefore, this variant is classified as a Variant of Uncertain Significance.

This study involves interpretation of variants in research participants for the purpose of population health screening. Participant phenotype was not available at the time of variant classification. Additional details can be found in publication PMID: 35346344, PMCID: PMC8962531

Ambry Genetics
Classification: Uncertain significance for Cardiovascular phenotype. Last evaluated: 2024-03-28. Review status: criteria provided, single submitter. Criteria: Ambry Variant Classification Scheme 2023. Collection method: clinical testing. Allele origin: germline.
Comment: The p.R299C variant (also known as c.895C>T), located in coding exon 3 of the PKP2 gene, results from a C to T substitution at nucleotide position 895. The arginine at codon 299 is replaced by cysteine, an amino acid with highly dissimilar properties. This variant was identified in individuals from arrhythmogenic right ventricular cardiomyopathy (ARVC) cohorts; however, clinical details were limited, or additional variants in other cardiac-related genes were also detected (Bao J et al. Circ Cardiovasc Genet, 2013 Dec;6:552-6; Nagyova E et al. J Cardiovasc Transl Res. 2023 Dec;16(6):1276-1286). This amino acid position is not well conserved in available vertebrate species. In addition, this alteration is predicted to be tolerated by in silico analysis. Based on the available evidence, the clinical significance of this alteration remains unclear.

GeneDx
Classification: Uncertain significance. Last evaluated: 2024-02-22. Review status: criteria provided, single submitter. Criteria: GeneDx Variant Classification Process June 2021. Collection method: clinical testing. Allele origin: germline. Affected: yes.
Comment: Reported in one individual from an ARVC cohort (PMID: 24125834); In silico analysis supports that this missense variant does not alter protein structure/function; This variant is associated with the following publications: (PMID: 34426522, 31402444, 24125834)

Color Diagnostics, LLC DBA Color Health
Classification: Uncertain significance for Cardiomyopathy. Last evaluated: 2024-02-13. Review status: criteria provided, single submitter. Criteria: ACMG Guidelines, 2015. Collection method: clinical testing. Allele origin: germline.
Comment: This missense variant replaces arginine with cysteine at codon 299 of the PKP2 protein. Computational prediction tool is inconclusive regarding the impact of this variant on protein structure and function. To our knowledge, functional studies have not been reported for this variant. This variant has been reported in two individuals affected with arrhythmogenic right ventricular cardiomyopathy (PMID: 24125834, 37418234). This variant has also been reported in an individual affected with hypertrophic cardiomyopathy, who also carried a pathogenic truncation variant in the MYBPC3 gene that could explain the observed phenotype (PMID: 30847666). This variant has been identified in 18/282410 chromosomes in the general population by the Genome Aggregation Database (gnomAD). The available evidence is insufficient to determine the role of this variant in disease conclusively. Therefore, this variant is classified as a Variant of Uncertain Significance.

Stanford Center for Inherited Cardiovascular Disease, Stanford University
Classification: Uncertain significance. Last evaluated: 2018-02-06. Review status: criteria provided, single submitter. Criteria: ACMG Guidelines, 2015. Collection method: provider interpretation. Allele origin: germline.

Clinical Genetics DNA and cytogenetics Diagnostics Lab, Erasmus MC, Erasmus Medical Center
Classification: Uncertain significance for Arrhythmogenic right ventricular dysplasia 9. Last evaluated: 2017-05-31. Review status: criteria provided, single submitter. Criteria: ACGS Guidelines, 2013. Collection method: clinical testing. Allele origin: germline. Affected: yes. Study: VKGL Data-share Consensus.

Clinical Genetics, Academic Medical Center
Classification: Uncertain significance. Review status: no assertion criteria provided. Collection method: clinical testing. Allele origin: germline. Affected: yes. Study: VKGL Data-share Consensus. Not counted in ClinVar's aggregate classification.

Joint Genome Diagnostic Labs from Nijmegen and Maastricht, Radboudumc and MUMC+
Classification: Uncertain significance. Review status: no assertion criteria provided. Collection method: clinical testing. Allele origin: germline. Affected: yes. Study: VKGL Data-share Consensus. Not counted in ClinVar's aggregate classification.

Literature cited by the submitters: PubMed 24125834 (cited by 5 submitters); PubMed 28471438 (cited by Women's Health and Genetics/Laboratory Corporation of America, LabCorp); PubMed 37296576 (cited by Women's Health and Genetics/Laboratory Corporation of America, LabCorp); PubMed 30847666 (cited by All of Us Research Program, National Institutes of Health and Color Diagnostics, LLC DBA Color Health); PubMed 37418234 (cited by 3 submitters).

NM_001005242.3(PKP2):c.895C>T (p.Arg299Cys)

Gene: PKP2 (plakophilin 2; minus strand). Cytogenetic location: 12p11.21.
Variant type: single nucleotide variant.
Coding change: c.895C>T on transcript NM_001005242.3 (MANE Select); coding-DNA position 895, C replaced by T.
Protein change: p.Arg299Cys; replaces arginine 299 with cysteine.
Molecular consequence: missense variant.
Genome position (GRCh38, 1-based): chr12:32,877,985, G>A on the plus strand (C>T on the coding strand, the complement: PKP2 is on the minus strand). VCF-style: chr12-32877985-G-A. GRCh37 (hg19) VCF-style: chr12-33030919-G-A.
Other names: c.895C>T, p.Arg299Cys (NM_004572.4); short protein forms R299C.
Identifiers: ClinVar variation 522296 (VCV000522296.26), dbSNP rs564987195, ClinGen allele CA039291.
Genomic context (GRCh38, chr12:32,877,985, plus strand): 5'-AGTGCGCTCTCCTCCCGCTGGAATCCACGGCGACACTGGGCCCAGCTTCCCTCAGCGTGC[G>A]GGTGCTGTGGAAGGAGCTCTGATGCCAGGAGGACCTGGAAGCCCTGTTCTGAGTGACGGG-3'
Protein context (NP_001005242.2, residues 289-309): SWHQSSFHST[Arg299Cys]TLREAGPSVA